The following is an entry in ClinVar:

NM_173598.6(KSR2):c.742C>T (p.Leu248=)

Gene: KSR2 (kinase suppressor of ras 2; minus strand). Cytogenetic location: 12q24.23.
Variant type: single nucleotide variant.
Coding change: c.742C>T on transcript NM_173598.6 (MANE Select); coding-DNA position 742, C replaced by T.
Protein change: p.Leu248=; no amino-acid change (leucine 248 retained).
Molecular consequence: synonymous variant.
Genome position (GRCh38, 1-based): chr12:117,761,255, G>A on the plus strand (C>T on the coding strand, the complement: KSR2 is on the minus strand). VCF-style: chr12-117761255-G-A. GRCh37 (hg19) VCF-style: chr12-118199060-G-A.
Identifiers: ClinVar variation 3351475 (VCV003351475.1).

ClinVar aggregate classification (germline): Likely benign (0 of 4 stars; one submission).

Conditions:
KSR2-related disorder. Also called: KSR2-related condition.

Submission:

PreventionGenetics, part of Exact Sciences
Classification: Likely benign for KSR2-related condition. Last evaluated: 2021-09-25. Review status: no assertion criteria provided. Collection method: clinical testing. Allele origin: germline.
Comment: This variant is classified as likely benign based on ACMG/AMP sequence variant interpretation guidelines (Richards et al. 2015 PMID: 25741868, with internal and published modifications).